The following is an entry in ClinVar:

NM_015231.3(NUP160):c.2838T>G (p.Ile946Met)

Gene: NUP160 (nucleoporin 160; minus strand). Cytogenetic location: 11p11.2.
Variant type: single nucleotide variant.
Coding change: c.2838T>G on transcript NM_015231.3 (MANE Select); coding-DNA position 2838, T replaced by G.
Protein change: p.Ile946Met; replaces isoleucine 946 with methionine.
Molecular consequence: missense variant. On other transcripts: non-coding transcript variant (1).
Genome position (GRCh38, 1-based): chr11:47,798,419, A>C on the plus strand (T>G on the coding strand, the complement: NUP160 is on the minus strand). VCF-style: chr11-47798419-A-C. GRCh37 (hg19) VCF-style: chr11-47819971-A-C.
Other names: short protein forms I946M.
Identifiers: ClinVar variation 1976670 (VCV001976670.5), dbSNP rs751943060, ClinGen allele CA5980852.

ClinVar aggregate classification (germline): Uncertain significance (1 of 4 stars; one submission).

Allele frequency attached by ClinVar (database versions not stated): gnomAD exomes below 0.00001; ExAC 0.00001; gnomAD 0.00001; TOPMed 0.00001.
gnomAD v4.1: 3 of 1,611,876 alleles (0.00019%); highest among the groups gnomAD compares: African/African-American, 0.004%; no homozygotes.

Submission:

Labcorp Genetics (formerly Invitae), Labcorp
Classification: Uncertain significance. Last evaluated: 2023-12-11. Review status: criteria provided, single submitter. Criteria: Invitae Variant Classification Sherloc (09022015). Collection method: clinical testing. Allele origin: germline.
Comment: This sequence change replaces isoleucine, which is neutral and non-polar, with methionine, which is neutral and non-polar, at codon 980 of the NUP160 protein (p.Ile980Met). This variant is present in population databases (rs751943060, gnomAD 0.01%). This variant has not been reported in the literature in individuals affected with NUP160-related conditions. ClinVar contains an entry for this variant (Variation ID: 1976670). An algorithm developed to predict the effect of missense changes on protein structure and function (PolyPhen-2) suggests that this variant is likely to be disruptive. In summary, the available evidence is currently insufficient to determine the role of this variant in disease. Therefore, it has been classified as a Variant of Uncertain Significance.